The following is an entry in ClinVar:

ClinVar aggregate classification (germline): Pathogenic (1 of 4 stars; one submission).

Conditions:
Charcot-Marie-Tooth disease axonal type 2O. Also called: CHARCOT-MARIE-TOOTH NEUROPATHY, AXONAL, TYPE 2O; CHARCOT-MARIE-TOOTH DISEASE, AXONAL, AUTOSOMAL DOMINANT, TYPE 2O; Charcot-Marie-Tooth Neuropathy Type 2O; Charcot-Marie-Tooth disease, axonal, type 20. Identifiers: Orphanet 284232, MedGen C3280220, MONDO:0013644, OMIM 614228.

Submission:

Labcorp Genetics (formerly Invitae), Labcorp
Classification: Pathogenic for Charcot-Marie-Tooth disease axonal type 2O. Last evaluated: 2022-12-03. Review status: criteria provided, single submitter. Criteria: Invitae Variant Classification Sherloc (09022015). Collection method: clinical testing. Allele origin: germline.
Comment: This sequence change replaces arginine, which is basic and polar, with lysine, which is basic and polar, at codon 1090 of the DYNC1H1 protein (p.Arg1090Lys). This variant is not present in population databases (gnomAD no frequency). This missense change has been observed in individual(s) with clinical features of DYNC1H1-related conditions (Invitae). In at least one individual the variant was observed to be de novo. Advanced modeling of protein sequence and biophysical properties (such as structural, functional, and spatial information, amino acid conservation, physicochemical variation, residue mobility, and thermodynamic stability) performed at Invitae indicates that this missense variant is expected to disrupt DYNC1H1 protein function. For these reasons, this variant has been classified as Pathogenic.

NM_001376.5(DYNC1H1):c.3269G>A (p.Arg1090Lys)

Gene: DYNC1H1 (dynein cytoplasmic 1 heavy chain 1; plus strand). Cytogenetic location: 14q32.31.
Variant type: single nucleotide variant.
Coding change: c.3269G>A on transcript NM_001376.5 (MANE Select); coding-DNA position 3269, G replaced by A.
Protein change: p.Arg1090Lys; replaces arginine 1090 with lysine.
Molecular consequence: missense variant.
Genome position (GRCh38, 1-based): chr14:101,994,785, G>A. VCF-style: chr14-101994785-G-A. GRCh37 (hg19) VCF-style: chr14-102461122-G-A.
Other names: short protein forms R1090K.
Identifiers: ClinVar variation 2000607 (VCV002000607.4), dbSNP rs2503714817, ClinGen allele CA391033226.